The following is an entry in ClinVar:

ClinVar aggregate classification (germline): Likely benign. Review status: criteria provided, multiple submitters, no conflicts (2 of 4 stars). 2 submissions from 2 submitters: Likely benign (2). Last evaluated 2026-01-12.

Conditions:
Arrhythmogenic right ventricular dysplasia 5. Also called: Arrhythmogenic Right Ventricular Dysplasia/Cardiomyopathy 5; ARRHYTHMOGENIC RIGHT VENTRICULAR DYSPLASIA, FAMILIAL, 5. Identifiers: MedGen C1858379, MONDO:0011459, OMIM 604400.

Allele frequency attached by ClinVar (database versions not stated): gnomAD exomes below 0.00001; TOPMed 0.00001; gnomAD 0.00004.
gnomAD v4.1: 7 of 1,613,926 alleles (0.00043%); highest among the groups gnomAD compares: African/African-American, 0.0093%; no homozygotes.

Submissions (2):

Labcorp Genetics (formerly Invitae), Labcorp
Classification: Likely benign for Arrhythmogenic right ventricular dysplasia 5. Last evaluated: 2026-01-12. Review status: criteria provided, single submitter. Criteria: Invitae Variant Classification Sherloc (09022015). Collection method: clinical testing. Allele origin: germline.

Women's Health and Genetics/Laboratory Corporation of America, LabCorp
Classification: Likely benign. Last evaluated: 2025-07-21. Review status: criteria provided, single submitter. Criteria: LabCorp Variant Classification Summary - May 2015. Collection method: clinical testing. Allele origin: germline.
Comment: Variant summary: TMEM43 c.705+11A>T alters a nucleotide located at a position not widely known to affect splicing. Consensus agreement among computation tools predict no significant impact on normal splicing. However, these predictions have yet to be confirmed by functional studies. The variant allele was found at a frequency of 9.6e-05 in 31376 control chromosomes. The available data on variant occurrences in the general population are insufficient to allow any conclusion about variant significance. To our knowledge, no occurrence of c.705+11A>T in individuals affected with Arrhythmogenic right ventricular dysplasia 5 and no experimental evidence demonstrating its impact on protein function have been reported. ClinVar contains an entry for this variant (Variation ID: 1602671). Based on the evidence outlined above, the variant was classified as likely benign.

NM_024334.3(TMEM43):c.705+11A>T

Gene: TMEM43 (transmembrane protein 43; plus strand). Cytogenetic location: 3p25.1.
Variant type: single nucleotide variant.
Coding change: c.705+11A>T on transcript NM_024334.3 (MANE Select); 11 bases into the intron after coding-DNA position 705, A replaced by T.
Molecular consequence: intron variant.
Genome position (GRCh38, 1-based): chr3:14,134,902, A>T. VCF-style: chr3-14134902-A-T. GRCh37 (hg19) VCF-style: chr3-14176402-A-T.
Identifiers: ClinVar variation 1602671 (VCV001602671.9), dbSNP rs960038220, ClinGen allele CA69731335.
Genomic context (GRCh38, chr3:14,134,902, plus strand): 5'-TTCGCCGTGGAGACTTTTTCTACCACAGCGAAAATCCCAAGTATCCAGAGGTGTGCGGAG[A>T]GGCCTGGGCTCTCCAAATAGGAGGGTCAGGGCGCTAGGATCAGGTTCCTGCGCCAGGCAG-3'